The following is an entry in ClinVar:

ClinVar aggregate classification (germline): Uncertain significance. Review status: criteria provided, multiple submitters, no conflicts (2 of 4 stars). 3 submissions from 3 submitters: Uncertain significance (3). Last evaluated 2025-09-29.

Conditions:
Early-infantile DEE. Also called: Ohtahara syndrome; Early infantile epileptic encephalopathy with suppression bursts; Early infantile epileptic encephalopathy. Identifiers: Orphanet 1934, MedGen C0393706, MONDO:0800491.

Submissions (3):

GeneDx
Classification: Uncertain significance. Last evaluated: 2025-09-29. Review status: criteria provided, single submitter. Criteria: GeneDx Variant Classification Process June 2021. Collection method: clinical testing. Allele origin: germline. Affected: yes.
Comment: In silico analysis supports that this missense variant has a deleterious effect on protein structure/function; Has not been previously published as pathogenic or benign to our knowledge; Not observed at significant frequency in large population cohorts (gnomAD); This substitution is predicted to be within the N-terminal cytoplasmic domain

Labcorp Genetics (formerly Invitae), Labcorp
Classification: Uncertain significance for Early-infantile DEE. Last evaluated: 2019-04-30. Review status: criteria provided, single submitter. Criteria: Invitae Variant Classification Sherloc (09022015). Collection method: clinical testing. Allele origin: germline.
Comment: This sequence change replaces aspartic acid with glycine at codon 45 of the SCN1A protein (p.Asp45Gly). The aspartic acid residue is highly conserved and there is a moderate physicochemical difference between aspartic acid and glycine. In summary, the available evidence is currently insufficient to determine the role of this variant in disease. Therefore, it has been classified as a Variant of Uncertain Significance. This variant disrupts the p.Asp45 amino acid residue in SCN1A. Other variant(s) that disrupt this residue have been observed in individuals with SCN1A-related conditions (PMID:23708187, 21248271, 29314583), which suggests that this may be a clinically significant amino acid residue. Algorithms developed to predict the effect of missense changes on protein structure and function are either unavailable or do not agree on the potential impact of this missense change (SIFT: "Tolerated"; PolyPhen-2: "Benign"; Align-GVGD: "Class C35"). This variant has not been reported in the literature in individuals with SCN1A-related conditions. ClinVar contains an entry for this variant (Variation ID: 593872). This variant is not present in population databases (ExAC no frequency).

Eurofins Ntd Llc (ga)
Classification: Uncertain significance. Last evaluated: 2017-09-19. Review status: criteria provided, single submitter. Criteria: EGL Classification Definitions 2015. Collection method: clinical testing. Allele origin: germline. Observed: 2 variant alleles, 2 heterozygotes.

Literature cited by the submitters: PubMed 23708187 (cited by Labcorp Genetics (formerly Invitae), Labcorp); PubMed 21248271 (cited by Labcorp Genetics (formerly Invitae), Labcorp); PubMed 29314583 (cited by Labcorp Genetics (formerly Invitae), Labcorp).

NM_001165963.4(SCN1A):c.134A>G (p.Asp45Gly)

Gene: SCN1A (sodium voltage-gated channel alpha subunit 1; minus strand). Cytogenetic location: 2q24.3.
Variant type: single nucleotide variant.
Coding change: c.134A>G on transcript NM_001165963.4 (MANE Select); coding-DNA position 134, A replaced by G.
Protein change: p.Asp45Gly; replaces aspartic acid 45 with glycine.
Molecular consequence: missense variant. On other transcripts: 5 prime UTR variant (1), non-coding transcript variant (1).
Genome position (GRCh38, 1-based): chr2:166,073,488, T>C on the plus strand (A>G on the coding strand, the complement: SCN1A is on the minus strand). VCF-style: chr2-166073488-T-C. GRCh37 (hg19) VCF-style: chr2-166929998-T-C.
Other names: c.134A>G, p.Asp45Gly (NM_001165964.3, NM_001202435.3, NM_001353948.2 and 10 more transcripts); c.-2292A>G (NM_001353961.2); short protein forms D45G.
Identifiers: ClinVar variation 593872 (VCV000593872.17), dbSNP rs1559284606, ClinGen allele CA349243095.